The following is an entry in ClinVar:

ClinVar aggregate classification (germline): Uncertain significance (1 of 4 stars; one submission).

Conditions:
Gorlin syndrome. Also called: Nevoid Basal Cell Carcinoma Syndrome; Basal cell nevus syndrome. Identifiers: Orphanet 377, MedGen C0004779, MONDO:0007187.

Submission:

Labcorp Genetics (formerly Invitae), Labcorp
Classification: Uncertain significance for Gorlin syndrome. Last evaluated: 2022-08-31. Review status: criteria provided, single submitter. Criteria: Invitae Variant Classification Sherloc (09022015). Collection method: clinical testing. Allele origin: germline.
Comment: In summary, the available evidence is currently insufficient to determine the role of this variant in disease. Therefore, it has been classified as a Variant of Uncertain Significance. Advanced modeling of protein sequence and biophysical properties (such as structural, functional, and spatial information, amino acid conservation, physicochemical variation, residue mobility, and thermodynamic stability) performed at Invitae indicates that this missense variant is not expected to disrupt PTCH1 protein function. This variant has not been reported in the literature in individuals affected with PTCH1-related conditions. This variant is not present in population databases (gnomAD no frequency). This sequence change replaces alanine, which is neutral and non-polar, with glycine, which is neutral and non-polar, at codon 300 of the PTCH1 protein (p.Ala300Gly).

NM_000264.5(PTCH1):c.899C>G (p.Ala300Gly)

Gene: PTCH1 (patched 1; minus strand). Cytogenetic location: 9q22.32.
Variant type: single nucleotide variant.
Coding change: c.899C>G on transcript NM_000264.5 (MANE Select); coding-DNA position 899, C replaced by G.
Protein change: p.Ala300Gly; replaces alanine 300 with glycine.
Molecular consequence: missense variant. On other transcripts: non-coding transcript variant (1).
Genome position (GRCh38, 1-based): chr9:95,480,436, G>C on the plus strand (C>G on the coding strand, the complement: PTCH1 is on the minus strand). VCF-style: chr9-95480436-G-C. GRCh37 (hg19) VCF-style: chr9-98242718-G-C.
Other names: c.701C>G, p.Ala234Gly (NM_001083602.3); c.896C>G, p.Ala299Gly (NM_001083603.3); c.446C>G, p.Ala149Gly (NM_001083604.3, NM_001083605.3, NM_001083606.3 and 1 more transcripts); c.899C>G, p.Ala300Gly (NM_001354918.2); short protein forms A149G, A299G, A234G, A300G.
Identifiers: ClinVar variation 2086409 (VCV002086409.4), dbSNP rs1421967825, ClinGen allele CA374113802.